The following is an entry in ClinVar:

NM_007294.4(BRCA1):c.5211A>T (p.Arg1737Ser)

Gene: BRCA1 (BRCA1 DNA repair associated; minus strand). Cytogenetic location: 17q21.31.
Variant type: single nucleotide variant.
Coding change: c.5211A>T on transcript NM_007294.4 (MANE Select); coding-DNA position 5211, A replaced by T.
Protein change: p.Arg1737Ser; replaces arginine 1737 with serine.
Molecular consequence: missense variant. On other transcripts: non-coding transcript variant (1).
Genome position (GRCh38, 1-based): chr17:43,057,118, T>A on the plus strand (A>T on the coding strand, the complement: BRCA1 is on the minus strand). VCF-style: chr17-43057118-T-A. GRCh37 (hg19) VCF-style: chr17-41209135-T-A.
Other names: c.4998A>T, p.Arg1666Ser (NM_001407571.1, NM_001407900.1, NM_001407902.1 and 12 more transcripts); c.5277A>T, p.Arg1759Ser (NM_001407581.1, NM_001407582.1); c.5274A>T, p.Arg1758Ser (NM_001407583.1, NM_001407585.1, NM_001407587.1 and 1 more transcripts); c.5208A>T, p.Arg1736Ser (NM_001407610.1, NM_001407611.1, NM_001407612.1 and 17 more transcripts); c.5205A>T, p.Arg1735Ser (NM_001407629.1, NM_001407630.1, NM_001407631.1 and 14 more transcripts); c.5151A>T, p.Arg1717Ser (NM_001407649.1); c.5133A>T, p.Arg1711Ser (NM_001407652.1, NM_001407653.1, NM_001407654.1 and 1 more transcripts); c.5130A>T, p.Arg1710Ser (NM_001407656.1, NM_001407657.1, NM_001407658.1); and 72 more; short protein forms R1758S, R1690S, R633S, R1737S, R1440S, R1609S, R1624S, R1670S.
Identifiers: ClinVar variation 865164 (VCV000865164.3), dbSNP rs1555576963, ClinGen allele CA10591115.

Conditions:
Breast-ovarian cancer, familial, susceptibility to, 1 (BROVCA1). Also called: BRCA1 Hereditary Breast and Ovarian Cancer; OVARIAN CANCER, SUSCEPTIBILITY TO. Identifiers: Orphanet 145, MedGen C2676676, MONDO:0011450, OMIM 604370. Disease mechanism: loss of function.

Submission:

Brotman Baty Institute, University of Washington
No classification provided (evidence only). Condition: Breast-ovarian cancer, familial 1. Review status: no classification provided. Collection method: in vitro. Allele origin: not applicable. Functional consequence: functionally_normal.
ClinVar note: "not provided" was previously submitted as the classification for the variant. However, the classification appeared to be based only on an observation of functional data so it was converted to no classification on 2025-07-30.